The following is an entry in ClinVar:

NM_001130987.2(DYSF):c.4045C>T (p.Arg1349Cys)

Gene: DYSF (dysferlin; plus strand). Cytogenetic location: 2p13.2.
Variant type: single nucleotide variant.
Coding change: c.4045C>T on transcript NM_001130987.2 (MANE Select); coding-DNA position 4045, C replaced by T.
Protein change: p.Arg1349Cys; replaces arginine 1349 with cysteine.
Molecular consequence: missense variant.
Genome position (GRCh38, 1-based): chr2:71,611,332, C>T. VCF-style: chr2-71611332-C-T. GRCh37 (hg19) VCF-style: chr2-71838462-C-T.
Other names: c.3994C>T, p.Arg1332Cys (NM_001130455.2, NM_001130983.2); c.3949C>T, p.Arg1317Cys (NM_001130976.2, NM_001130977.2); c.3991C>T, p.Arg1331Cys (NM_001130978.2, NM_003494.4); c.4084C>T, p.Arg1362Cys (NM_001130979.2); c.4042C>T, p.Arg1348Cys (NM_001130980.2, NM_001130981.2); c.4087C>T, p.Arg1363Cys (NM_001130982.2); c.3952C>T, p.Arg1318Cys (NM_001130984.2, NM_001130986.2); c.4045C>T, p.Arg1349Cys (NM_001130985.2); short protein forms R1349C, R1331C, R1348C, R1362C, R1363C, R1318C, R1332C, R1317C.
Identifiers: ClinVar variation 566794 (VCV000566794.8), dbSNP rs760074198, ClinGen allele CA1706847.

ClinVar aggregate classification (germline): Uncertain significance. Review status: criteria provided, multiple submitters, no conflicts (2 of 4 stars). 3 submissions from 3 submitters: Uncertain significance (2). 1 of the submissions does not count toward it. Last evaluated 2022-07-06.

Conditions:
Neuromuscular disease caused by qualitative or quantitative defects of dysferlin. Also called: Qualitative or quantitative defects of dysferlin; Dysferlinopathy. Identifiers: Orphanet 207073, MedGen C2931687, MONDO:0016145.
Autosomal recessive limb-girdle muscular dystrophy type 2B (LGMDR2). Also called: Limb-Girdle Muscular Dystrophy Type 2B (LGMD2B); MUSCULAR DYSTROPHY, LIMB-GIRDLE, AUTOSOMAL RECESSIVE 2; Limb-girdle muscular dystrophy, type 2B; MUSCULAR DYSTROPHY, LIMB-GIRDLE, TYPE 3. Identifiers: Orphanet 268, MedGen C1850889, MONDO:0009676, OMIM 253601.

Allele frequency attached by ClinVar (database versions not stated): gnomAD exomes below 0.00001 and 0.00001; TOPMed below 0.00001; ExAC 0.00001.
gnomAD v4.1: 20 of 1,613,940 alleles (0.0012%); highest among the groups gnomAD compares: East Asian, 0.0045%; no homozygotes.

Submissions (3):

Labcorp Genetics (formerly Invitae), Labcorp
Classification: Uncertain significance for Neuromuscular disease caused by qualitative or quantitative defects of dysferlin. Last evaluated: 2022-07-06. Review status: criteria provided, single submitter. Criteria: Invitae Variant Classification Sherloc (09022015). Collection method: clinical testing. Allele origin: germline.
Comment: This sequence change replaces arginine, which is basic and polar, with cysteine, which is neutral and slightly polar, at codon 1331 of the DYSF protein (p.Arg1331Cys). The frequency data for this variant in the population databases is considered unreliable, as metrics indicate poor data quality at this position in the gnomAD database. This variant has not been reported in the literature in individuals affected with DYSF-related conditions. ClinVar contains an entry for this variant (Variation ID: 566794). Advanced modeling of protein sequence and biophysical properties (such as structural, functional, and spatial information, amino acid conservation, physicochemical variation, residue mobility, and thermodynamic stability) performed at Invitae indicates that this missense variant is expected to disrupt DYSF protein function. In summary, the available evidence is currently insufficient to determine the role of this variant in disease. Therefore, it has been classified as a Variant of Uncertain Significance.

Blueprint Genetics
Classification: Uncertain significance. Last evaluated: 2020-01-24. Review status: criteria provided, single submitter. Criteria: ACMG Guidelines, 2015. Collection method: clinical testing. Allele origin: germline.

Natera, Inc.
Classification: Uncertain significance for Limb-girdle muscular dystrophy type 2B. Last evaluated: 2020-09-16. Review status: no assertion criteria provided. Collection method: clinical testing. Allele origin: germline. Not counted in ClinVar's aggregate classification.